The following is an entry in ClinVar:

NM_001099922.3(ALG13):c.1960G>A (p.Gly654Arg)

Gene: ALG13 (ALG13 UDP-N-acetylglucosaminyltransferase subunit; plus strand). Cytogenetic location: Xq23.
Variant type: single nucleotide variant.
Coding change: c.1960G>A on transcript NM_001099922.3 (MANE Select); coding-DNA position 1960, G replaced by A.
Protein change: p.Gly654Arg; replaces glycine 654 with arginine.
Molecular consequence: missense variant. On other transcripts: non-coding transcript variant (1).
Genome position (GRCh38, 1-based): chrX:111,727,039, G>A. VCF-style: chrX-111727039-G-A. GRCh37 (hg19) VCF-style: chrX-110970267-G-A.
Other names: c.1648G>A, p.Gly550Arg (NM_001257230.2, NM_001257234.2, NM_001257237.2); c.1726G>A, p.Gly576Arg (NM_001257231.2); c.1960G>A, p.Gly654Arg (NM_001324292.2); c.1474G>A, p.Gly492Arg (NM_001324293.1); short protein forms G492R, G550R, G576R, G654R.
Identifiers: ClinVar variation 4807717 (VCV004807717.1).
Genomic context (GRCh38, chrX:111,727,039, plus strand): 5'-GGCAATGTTATGTCTAATGAACATTTTCATCCTCAGCATCCATCTCCGAGACAAGGTCGG[G>A]GATATGGGATGCCCAGGTAAGACATTGACAGATTTGTATTTTCATGGTCTAGGGAAATAT-3'
Protein context (NP_001093392.1, residues 644-664): PQHPSPRQGR[Gly654Arg]YGMPRNSSRF

ClinVar aggregate classification (germline): Uncertain significance (1 of 4 stars; one submission).

Conditions:
Developmental and epileptic encephalopathy, 36 (DEE36). Also called: Congenital disorder of glycosylation, type Is; Epileptic encephalopathy, early infantile, 36; ALG13-CDG. Identifiers: Orphanet 324422, MedGen C4317295, MONDO:0010472, OMIM 300884.

gnomAD v4.1: 3 of 1,209,138 alleles (0.00025%); highest among the groups gnomAD compares: African/African-American, 0.0018%; no homozygotes.

Submission:

Labcorp Genetics (formerly Invitae), Labcorp
Classification: Uncertain significance for Developmental and epileptic encephalopathy, 36. Last evaluated: 2025-04-29. Review status: criteria provided, single submitter. Criteria: Invitae Variant Classification Sherloc (09022015). Collection method: clinical testing. Allele origin: germline.
Comment: This sequence change replaces glycine, which is neutral and non-polar, with arginine, which is basic and polar, at codon 654 of the ALG13 protein (p.Gly654Arg). This variant is not present in population databases (gnomAD no frequency). This variant has not been reported in the literature in individuals affected with ALG13-related conditions. Invitae Evidence Modeling of protein sequence and biophysical properties (such as structural, functional, and spatial information, amino acid conservation, physicochemical variation, residue mobility, and thermodynamic stability) has been performed for this missense variant. However, the output from this modeling did not meet the statistical confidence thresholds required to predict the impact of this variant on ALG13 protein function. In summary, the available evidence is currently insufficient to determine the role of this variant in disease. Therefore, it has been classified as a Variant of Uncertain Significance.